The following is an entry in ClinVar:

ClinVar aggregate classification (germline): Conflicting classifications of pathogenicity. Review status: criteria provided, conflicting classifications (1 of 4 stars). 4 submissions from 4 submitters: Uncertain significance (3); Likely benign (1). Last evaluated 2026-02-03.

Conditions:
Hereditary cancer-predisposing syndrome. Also called: Tumor predisposition; Hereditary Cancer Syndrome; Neoplastic Syndromes, Hereditary; Hereditary neoplastic syndrome. Identifiers: Orphanet 140162, MedGen C0027672, MeSH D009386, MONDO:0015356.
Familial adenomatous polyposis 2. Also called: MYH-associated polyposis; FAP type 2; ADENOMAS, MULTIPLE COLORECTAL, AUTOSOMAL RECESSIVE; MUTYH Polyposis; MUTYH-associated polyposis; MUTYH-related attenuated familial adenomatous polyposis. Identifiers: Orphanet 220460, Orphanet 247798, MedGen C3272841, MONDO:0012041, OMIM 608456.

Allele frequency attached by ClinVar (database versions not stated): ExAC 0.00001.

Submissions (4):

Labcorp Genetics (formerly Invitae), Labcorp
Classification: Uncertain significance for Familial adenomatous polyposis 2. Last evaluated: 2026-02-03. Review status: criteria provided, single submitter. Criteria: Invitae Variant Classification Sherloc (09022015). Collection method: clinical testing. Allele origin: germline.
Comment: This sequence change replaces leucine, which is neutral and non-polar, with valine, which is neutral and non-polar, at codon 86 of the MUTYH protein (p.Leu86Val). This variant is present in population databases (rs781163298, gnomAD 0.003%). This variant has not been reported in the literature in individuals affected with MUTYH-related conditions. ClinVar contains an entry for this variant (Variation ID: 231242). An algorithm developed to predict the effect of missense changes on protein structure and function outputs the following: PolyPhen-2: "Benign". The valine amino acid residue is found in multiple mammalian species, which suggests that this missense change does not adversely affect protein function. In summary, the available evidence is currently insufficient to determine the role of this variant in disease. Therefore, it has been classified as a Variant of Uncertain Significance.

Ambry Genetics
Classification: Likely benign for Hereditary cancer-predisposing syndrome. Last evaluated: 2025-08-19. Review status: criteria provided, single submitter. Criteria: Ambry Variant Classification Scheme 2023. Collection method: clinical testing. Allele origin: germline.

Color Diagnostics, LLC DBA Color Health
Classification: Uncertain significance for Hereditary cancer-predisposing syndrome. Last evaluated: 2024-03-06. Review status: criteria provided, single submitter. Criteria: ACMG Guidelines, 2015. Collection method: clinical testing. Allele origin: germline.
Comment: This missense variant replaces leucine with valine at codon 86 of the MUTYH protein. Computational prediction suggests that this variant may not impact protein structure and function (internally defined REVEL score threshold <= 0.5, PMID: 27666373). To our knowledge, functional studies have not been reported for this variant. This variant has not been reported in individuals affected with MUTYH-related disorders in the literature. This variant has been identified in 1/251482 chromosomes in the general population by the Genome Aggregation Database (gnomAD). The available evidence is insufficient to determine the role of this variant in disease conclusively. Therefore, this variant is classified as a Variant of Uncertain Significance.

All of Us Research Program, National Institutes of Health
Classification: Uncertain significance for Familial adenomatous polyposis 2. Last evaluated: 2023-06-26. Review status: criteria provided, single submitter. Criteria: ACMG Guidelines, 2015. Collection method: clinical testing. Allele origin: germline. Inheritance: Autosomal recessive inheritance. Observed: 1 variant allele, 1 heterozygote.
Comment: This missense variant replaces leucine with valine at codon 86 of the MUTYH protein. Computational prediction is inconclusive regarding the impact of this variant on protein structure and function (internally defined REVEL score threshold 0.5 < inconclusive < 0.7, PMID: 27666373). Splice site prediction tools suggest that this variant may not impact RNA splicing. To our knowledge, functional studies have not been performed for this variant. This variant has not been reported in individuals affected with hereditary cancer in the literature. This variant has been identified in 1/251482 chromosomes in the general population by the Genome Aggregation Database (gnomAD). The available evidence is insufficient to determine the role of this variant in disease conclusively. Therefore, this variant is classified as a Variant of Uncertain Significance.

This study involves interpretation of variants in research participants for the purpose of population health screening. Participant phenotype was not available at the time of variant classification. Additional details can be found in publication PMID: 35346344, PMCID: PMC8962531

NM_001048174.2(MUTYH):c.172C>G (p.Leu58Val)

Gene: MUTYH (mutY DNA glycosylase; minus strand). Cytogenetic location: 1p34.1.
Variant type: single nucleotide variant.
Coding change: c.172C>G on transcript NM_001048174.2 (MANE Select); coding-DNA position 172, C replaced by G.
Protein change: p.Leu58Val; replaces leucine 58 with valine.
Molecular consequence: missense variant. On other transcripts: 5 prime UTR variant (1), non-coding transcript variant (2), intron variant (3).
Genome position (GRCh38, 1-based): chr1:45,333,505, G>C on the plus strand (C>G on the coding strand, the complement: MUTYH is on the minus strand). VCF-style: chr1-45333505-G-C. GRCh37 (hg19) VCF-style: chr1-45799177-G-C.
Other names: c.172C>G, p.Leu58Val (NM_001048171.2, NM_001048173.2, NM_001293195.2); c.175C>G, p.Leu59Val (NM_001048172.2); c.256C>G, p.Leu86Val (NM_001128425.2); c.217C>G, p.Leu73Val (NM_001293190.2); c.205C>G, p.Leu69Val (NM_001293191.2); c.-100C>G (NM_001350650.2); c.247C>G, p.Leu83Val (NM_012222.3); c.-92-8C>G (NM_001350651.2); and 1 more; short protein forms L86V, L58V, L59V, L69V, L73V, L83V.
Identifiers: ClinVar variation 231242 (VCV000231242.20), dbSNP rs781163298, ClinGen allele CA057169.
Genomic context (GRCh38, chr1:45,333,505, plus strand): 5'-GGTCGTACCAGCTTAGCAGGCTCCCTCGGAAGGCTGTGACTTCAGCTACGTCTCTGAATA[G>C]ATGGTATGAGGAGACAGAGGCCTGCAATACCACCTCTTCCGGCTGCCTGGCCAGGCCTGC-3'
Protein context (NP_001041639.1, residues 48-68): VLQASVSSYH[Leu58Val]FRDVAEVTAF